The following is an entry in ClinVar:

ClinVar aggregate classification (germline): Likely pathogenic (1 of 4 stars; one submission).

Conditions:
Citrullinemia. Identifiers: Orphanet 187, MedGen C0175683, MONDO:0015991.

Submission:

Labcorp Genetics (formerly Invitae), Labcorp
Classification: Likely pathogenic for Citrullinemia. Last evaluated: 2020-08-14. Review status: criteria provided, single submitter. Criteria: Invitae Variant Classification Sherloc (09022015). Collection method: clinical testing. Allele origin: germline.
Comment: This variant is an in-frame deletion of the genomic region encompassing exon(s) 8-9 of the ASS1 gene. It preserves the integrity of the reading frame. This variant has not been reported in the literature in individuals with ASS1-related conditions. This variant disrupts the p.Ser180 amino acid residue in ASS1. Other variant(s) that disrupt this residue have been determined to be pathogenic (PMID: 2358466, 24765495, 18925679, Invitae). This suggests that this residue is clinically significant, and that variants that disrupt this residue are likely to be disease-causing. In summary, the currently available evidence indicates that the variant is pathogenic, but additional data are needed to prove that conclusively. Therefore, this variant has been classified as Likely Pathogenic.

Literature cited by the submitters: PubMed 2358466; PubMed 24765495; PubMed 18925679.

NC_000009.11:g.(?_133346211)_(133346912_?)del

Gene: ASS1 (argininosuccinate synthase 1; plus strand). Cytogenetic location: 9q34.11.
Variant type: Deletion.
Identifiers: ClinVar variation 1068283 (VCV001068283.12).